The following is an entry in ClinVar:

ClinVar aggregate classification (germline): Uncertain significance. Review status: criteria provided, multiple submitters, no conflicts (2 of 4 stars). 4 submissions from 4 submitters: Uncertain significance (4). Last evaluated 2022-06-27.

Conditions:
Rhizomelic chondrodysplasia punctata type 2 (RCDP2). Also called: glyceronephosphate O-acyltransferase (GNPAT) deficiency; Glyceronephosphate O-acyltransferase deficiency; PEROXISOMAL DIHYDROXYACETONEPHOSPHATE ACYLTRANSFERASE DEFICIENCY; Chondrodysplasia punctata, rhizomelic, due to dihydroxyacetonephosphate acyltransferase deficiency; DHAPAT DEFICIENCY; DIHYDROXYACETONEPHOSPHATE ACYLTRANSFERASE DEFICIENCY. Identifiers: Orphanet 177, Orphanet 309796, MedGen C1857242, MONDO:0100273, OMIM 222765. Disease mechanism: loss of function.

Allele frequency attached by ClinVar (database versions not stated): gnomAD 0.00004; TOPMed 0.00007; ESP Exome Variant Server 0.00008.
gnomAD v4.1: 103 of 1,613,872 alleles (0.0064%); highest among the groups gnomAD compares: Non-Finnish European, 0.0078%; no homozygotes.

Submissions (4):

Labcorp Genetics (formerly Invitae), Labcorp
Classification: Uncertain significance. Last evaluated: 2022-06-27. Review status: criteria provided, single submitter. Criteria: Invitae Variant Classification Sherloc (09022015). Collection method: clinical testing. Allele origin: germline.
Comment: This sequence change replaces aspartic acid, which is acidic and polar, with tyrosine, which is neutral and polar, at codon 330 of the GNPAT protein (p.Asp330Tyr). This variant is present in population databases (rs201563848, gnomAD 0.01%). This variant has not been reported in the literature in individuals affected with GNPAT-related conditions. ClinVar contains an entry for this variant (Variation ID: 875979). Algorithms developed to predict the effect of missense changes on protein structure and function are either unavailable or do not agree on the potential impact of this missense change (SIFT: "Deleterious"; PolyPhen-2: "Possibly Damaging"; Align-GVGD: "Class C0"). In summary, the available evidence is currently insufficient to determine the role of this variant in disease. Therefore, it has been classified as a Variant of Uncertain Significance.

Fulgent Genetics
Classification: Uncertain significance for Rhizomelic chondrodysplasia punctata type 2. Last evaluated: 2021-07-01. Review status: criteria provided, single submitter. Criteria: ACMG Guidelines, 2015. Collection method: clinical testing. Allele origin: unknown.

Centre for Mendelian Genomics, University Medical Centre Ljubljana
Classification: Uncertain significance for Rhizomelic chondrodysplasia punctata type 2. Last evaluated: 2018-11-28. Review status: criteria provided, single submitter. Criteria: ACMG Guidelines, 2015. Collection method: clinical testing. Allele origin: unknown. Affected: yes.
Comment: This variant was classified as: Uncertain significance. The available evidence on this variant's pathogenicity is insufficient or conflicting. The following ACMG criteria were applied in classifying this variant: PM2,PP3.

Illumina Laboratory Services, Illumina
Classification: Uncertain significance for Rhizomelic chondrodysplasia punctata type 2. Last evaluated: 2018-01-13. Review status: criteria provided, single submitter. Criteria: ICSL Variant Classification Criteria 13 December 2019. Collection method: clinical testing. Allele origin: germline.

NM_014236.4(GNPAT):c.988G>T (p.Asp330Tyr)

Gene: GNPAT (glyceronephosphate O-acyltransferase; plus strand). Cytogenetic location: 1q42.2.
Variant type: single nucleotide variant.
Coding change: c.988G>T on transcript NM_014236.4 (MANE Select); coding-DNA position 988, G replaced by T.
Protein change: p.Asp330Tyr; replaces aspartic acid 330 with tyrosine.
Molecular consequence: missense variant.
Genome position (GRCh38, 1-based): chr1:231,266,340, G>T. VCF-style: chr1-231266340-G-T. GRCh37 (hg19) VCF-style: chr1-231402086-G-T.
Other names: c.805G>T, p.Asp269Tyr (NM_001316350.2); short protein forms D330Y, D269Y.
Identifiers: ClinVar variation 875979 (VCV000875979.12), dbSNP rs201563848, ClinGen allele CA1451937.